The following is an entry in ClinVar:

NM_000465.4(BARD1):c.1753C>A (p.Leu585Ile)

Gene: BARD1 (BRCA1 associated RING domain 1; minus strand). Cytogenetic location: 2q35.
Variant type: single nucleotide variant.
Coding change: c.1753C>A on transcript NM_000465.4 (MANE Select); coding-DNA position 1753, C replaced by A.
Protein change: p.Leu585Ile; replaces leucine 585 with isoleucine.
Molecular consequence: missense variant. On other transcripts: non-coding transcript variant (3), intron variant (1).
Genome position (GRCh38, 1-based): chr2:214,745,779, G>T on the plus strand (C>A on the coding strand, the complement: BARD1 is on the minus strand). VCF-style: chr2-214745779-G-T. GRCh37 (hg19) VCF-style: chr2-215610503-G-T.
Other names: c.1696C>A, p.Leu566Ile (NM_001282543.2); c.400C>A, p.Leu134Ile (NM_001282545.2); c.343C>A, p.Leu115Ile (NM_001282548.2); c.365-15271C>A (NM_001282549.2); short protein forms L115I, L134I, L585I, L566I.
Identifiers: ClinVar variation 1962415 (VCV001962415.5), dbSNP rs1553615132, ClinGen allele CA350452905.

ClinVar aggregate classification (germline): Uncertain significance (1 of 4 stars; one submission).

Conditions:
Familial cancer of breast. Also called: hereditary breast carcinoma; BREAST CANCER, FAMILIAL; Hereditary breast cancer. Identifiers: Orphanet 227535, MedGen C0346153, MONDO:0016419, OMIM 114480. Disease mechanism: loss of function.

Submission:

Labcorp Genetics (formerly Invitae), Labcorp
Classification: Uncertain significance for Familial cancer of breast. Last evaluated: 2022-03-08. Review status: criteria provided, single submitter. Criteria: Invitae Variant Classification Sherloc (09022015). Collection method: clinical testing. Allele origin: germline.
Comment: In summary, the available evidence is currently insufficient to determine the role of this variant in disease. Therefore, it has been classified as a Variant of Uncertain Significance. Algorithms developed to predict the effect of missense changes on protein structure and function are either unavailable or do not agree on the potential impact of this missense change (SIFT: "Deleterious"; PolyPhen-2: "Possibly Damaging"; Align-GVGD: "Class C0"). This variant has not been reported in the literature in individuals affected with BARD1-related conditions. This variant is not present in population databases (gnomAD no frequency). This sequence change replaces leucine, which is neutral and non-polar, with isoleucine, which is neutral and non-polar, at codon 585 of the BARD1 protein (p.Leu585Ile).